The following is an entry in ClinVar:

ClinVar aggregate classification (germline): Benign/Likely benign. Review status: criteria provided, multiple submitters, no conflicts (2 of 4 stars). 3 submissions from 3 submitters: Benign (1); Likely benign (2). Last evaluated 2024-05-10.

Conditions:
Hereditary cancer-predisposing syndrome. Also called: Tumor predisposition; Hereditary Cancer Syndrome; Hereditary neoplastic syndrome; Neoplastic Syndromes, Hereditary. Identifiers: Orphanet 140162, MedGen C0027672, MeSH D009386, MONDO:0015356.
Familial cancer of breast. Also called: hereditary breast carcinoma; BREAST CANCER, FAMILIAL; Hereditary breast cancer. Identifiers: Orphanet 227535, MedGen C0346153, MONDO:0016419, OMIM 114480. Disease mechanism: loss of function.
Ataxia-telangiectasia syndrome (AT). Also called: Ataxia telangiectasia (A-T); LOUIS-BAR SYNDROME; Cerebello-oculocutaneous telangiectasia; Immunodeficiency with ataxia telangiectasia; ATAXIA-TELANGIECTASIA, COMPLEMENTATION GROUP A; ATAXIA-TELANGIECTASIA, FRESNO VARIANT. Identifiers: Orphanet 100, MedGen C0004135, MONDO:0008840, OMIM 208900.

Allele frequency attached by ClinVar (database versions not stated): gnomAD exomes below 0.00001 and 0.00001; ExAC 0.00001.
gnomAD v4.1: 3 of 1,614,072 alleles (0.00019%); highest among the groups gnomAD compares: Admixed American, 0.005%; no homozygotes.

Submissions (3):

Myriad Genetics, Inc.
Classification: Benign for Familial cancer of breast. Last evaluated: 2024-05-10. Review status: criteria provided, single submitter. Criteria: Myriad Autosomal Dominant, Autosomal Recessive and X-Linked Classification Criteria (2023). Collection method: clinical testing. Allele origin: unknown.
Comment: This variant is considered benign. This variant is a silent/synonymous amino acid change and it is not expected to impact splicing.

Labcorp Genetics (formerly Invitae), Labcorp
Classification: Likely benign for Ataxia-telangiectasia syndrome. Last evaluated: 2023-07-16. Review status: criteria provided, single submitter. Criteria: Invitae Variant Classification Sherloc (09022015). Collection method: clinical testing. Allele origin: germline.

Ambry Genetics
Classification: Likely benign for Hereditary cancer-predisposing syndrome. Last evaluated: 2015-09-16. Review status: criteria provided, single submitter. Criteria: Ambry Variant Classification Scheme 2023. Collection method: clinical testing. Allele origin: germline.

NM_000051.4(ATM):c.2688T>C (p.Leu896=)

Gene: ATM (ATM serine/threonine kinase; plus strand). Cytogenetic location: 11q22.3.
Variant type: single nucleotide variant.
Coding change: c.2688T>C on transcript NM_000051.4 (MANE Select); coding-DNA position 2688, T replaced by C.
Protein change: p.Leu896=; no amino-acid change (leucine 896 retained).
Molecular consequence: synonymous variant.
Genome position (GRCh38, 1-based): chr11:108,268,459, T>C. VCF-style: chr11-108268459-T-C. GRCh37 (hg19) VCF-style: chr11-108139186-T-C.
Other names: c.2688T>C, p.Leu896= (NM_001351834.2).
Identifiers: ClinVar variation 233985 (VCV000233985.14), dbSNP rs769490863, ClinGen allele CA6265096.
Genomic context (GRCh38, chr11:108,268,459, plus strand): 5'-TTTATTTTTAGGTGCCATTAATCCTTTAGCTGAAGAATATCTGTCAAAGCAAGATCTACT[T>C]TTCTTAGACATGCTCAAGTTCTTGTGTTTGTGTGTAACTACTGCTCAGACCAATACTGTG-3'
Protein context (NP_000042.3, residues 886-906): AEEYLSKQDL[Leu896=]FLDMLKFLCL